The following is an entry in ClinVar:

NM_015041.3(CLUAP1):c.1052G>T (p.Arg351Leu)

Gene: CLUAP1 (clusterin associated protein 1; plus strand). Cytogenetic location: 16p13.3.
Variant type: single nucleotide variant.
Coding change: c.1052G>T on transcript NM_015041.3 (MANE Select); coding-DNA position 1052, G replaced by T.
Protein change: p.Arg351Leu; replaces arginine 351 with leucine.
Molecular consequence: missense variant.
Genome position (GRCh38, 1-based): chr16:3,532,801, G>T. VCF-style: chr16-3532801-G-T. GRCh37 (hg19) VCF-style: chr16-3582801-G-T.
Other names: c.1052G>T, p.Arg351Leu (NM_001330454.2); c.554G>T, p.Arg185Leu (NM_024793.3); short protein forms R185L, R351L.
Identifiers: ClinVar variation 1352699 (VCV001352699.6), dbSNP rs2038152734, ClinGen allele CA394515782.

ClinVar aggregate classification (germline): Uncertain significance (1 of 4 stars; one submission).

Submission:

Labcorp Genetics (formerly Invitae), Labcorp
Classification: Uncertain significance. Last evaluated: 2024-03-25. Review status: criteria provided, single submitter. Criteria: Invitae Variant Classification Sherloc (09022015). Collection method: clinical testing. Allele origin: germline.
Comment: This sequence change replaces arginine, which is basic and polar, with leucine, which is neutral and non-polar, at codon 351 of the CLUAP1 protein (p.Arg351Leu). This variant is not present in population databases (gnomAD no frequency). This variant has not been reported in the literature in individuals affected with CLUAP1-related conditions. ClinVar contains an entry for this variant (Variation ID: 1352699). Advanced modeling of protein sequence and biophysical properties (such as structural, functional, and spatial information, amino acid conservation, physicochemical variation, residue mobility, and thermodynamic stability) performed at Invitae indicates that this missense variant is not expected to disrupt CLUAP1 protein function with a negative predictive value of 80%. In summary, the available evidence is currently insufficient to determine the role of this variant in disease. Therefore, it has been classified as a Variant of Uncertain Significance.